The following is an entry in ClinVar:

ClinVar aggregate classification (germline): Likely pathogenic (1 of 4 stars; one submission).

Conditions:
Duchenne muscular dystrophy (DMD). Also called: Duchenne Muscular Dystrophy (DMD); MUSCULAR DYSTROPHY, PSEUDOHYPERTROPHIC PROGRESSIVE, DUCHENNE TYPE. Identifiers: Orphanet 98896, MedGen C0013264, MONDO:0010679, OMIM 310200.

Submission:

Labcorp Genetics (formerly Invitae), Labcorp
Classification: Likely pathogenic for Duchenne muscular dystrophy. Last evaluated: 2019-07-23. Review status: criteria provided, single submitter. Criteria: Invitae Variant Classification Sherloc (09022015). Collection method: clinical testing. Allele origin: germline.
Comment: This variant results in a copy number gain of the genomic region encompassing exons 55-60 of the DMD gene. While the exact position of this variant cannot be determined from this data, sub-genic copy number gains are generally in tandem (PMID: 25640679) and may result in an absent or disrupted protein product. This variant has not been reported in the literature in individuals with DMD-related conditions. Loss-of-function variants in DMD are known to be pathogenic (PMID: 16770791, 25007885). In summary, the currently available evidence indicates that the variant is pathogenic, but additional data are needed to prove that conclusively. Therefore, this variant has been classified as Likely Pathogenic.

NC_000023.11:g.31444471_31627872dup

Gene: DMD (dystrophin; minus strand).
Variant type: Duplication.
Identifiers: ClinVar variation 846215 (VCV000846215.1).